The following is an entry in ClinVar:

NM_000455.5(STK11):c.1203C>T (p.Ser401=)

Gene: STK11 (serine/threonine kinase 11; plus strand). Cytogenetic location: 19p13.3.
Variant type: single nucleotide variant.
Coding change: c.1203C>T on transcript NM_000455.5 (MANE Select); coding-DNA position 1203, C replaced by T.
Protein change: p.Ser401=; no amino-acid change (serine 401 retained).
Molecular consequence: synonymous variant.
Genome position (GRCh38, 1-based): chr19:1,226,548, C>T. VCF-style: chr19-1226548-C-T. GRCh37 (hg19) VCF-style: chr19-1226547-C-T.
Identifiers: ClinVar variation 484992 (VCV000484992.18), dbSNP rs764876761, ClinGen allele CA045909.

ClinVar aggregate classification (germline): Benign/Likely benign. Review status: criteria provided, multiple submitters, no conflicts (2 of 4 stars). 5 submissions from 5 submitters: Benign (1); Likely benign (4). Last evaluated 2025-12-23.

Conditions:
Hereditary cancer-predisposing syndrome. Also called: Hereditary neoplastic syndrome; Neoplastic Syndromes, Hereditary; Tumor predisposition; Hereditary Cancer Syndrome. Identifiers: Orphanet 140162, MedGen C0027672, MeSH D009386, MONDO:0015356.
Peutz-Jeghers syndrome (PJS). Also called: POLYPOSIS, HAMARTOMATOUS INTESTINAL; POLYPS-AND-SPOTS SYNDROME; Peutz-Jeghers polyposis; Periorificial lentiginosis syndrome. Identifiers: Orphanet 2869, MedGen C0031269, MeSH D010580, MONDO:0008280, OMIM 175200.

Allele frequency attached by ClinVar (database versions not stated): gnomAD exomes 0.00001 and 0.00002; ExAC 0.00006.

Submissions (5):

Labcorp Genetics (formerly Invitae), Labcorp
Classification: Likely benign for Peutz-Jeghers syndrome. Last evaluated: 2025-12-23. Review status: criteria provided, single submitter. Criteria: Invitae Variant Classification Sherloc (09022015). Collection method: clinical testing. Allele origin: germline.

Myriad Genetics, Inc.
Classification: Benign for Peutz-Jeghers syndrome. Last evaluated: 2025-03-28. Review status: criteria provided, single submitter. Criteria: Myriad Autosomal Dominant, Autosomal Recessive and X-Linked Classification Criteria (2023). Collection method: clinical testing. Allele origin: unknown.
Comment: This variant is considered benign. This variant is a silent/synonymous amino acid change and it is not expected to impact splicing.

All of Us Research Program, National Institutes of Health
Classification: Likely benign for Peutz-Jeghers syndrome. Last evaluated: 2023-03-04. Review status: criteria provided, single submitter. Criteria: ACMG Guidelines, 2015. Collection method: clinical testing. Allele origin: germline. Inheritance: Autosomal dominant inheritance. Observed: 1 variant allele, 1 heterozygote.
Comment: This study involves interpretation of variants in research participants for the purpose of population health screening. Participant phenotype was not available at the time of variant classification. Additional details can be found in publication PMID: 35346344, PMCID: PMC8962531

Ambry Genetics
Classification: Likely benign for Hereditary cancer-predisposing syndrome. Last evaluated: 2017-04-03. Review status: criteria provided, single submitter. Criteria: Ambry Variant Classification Scheme 2023. Collection method: clinical testing. Allele origin: germline.

Color Diagnostics, LLC DBA Color Health
Classification: Likely benign for Hereditary cancer-predisposing syndrome. Last evaluated: 2015-06-09. Review status: criteria provided, single submitter. Criteria: ACMG Guidelines, 2015. Collection method: clinical testing. Allele origin: germline.